The following is an entry in ClinVar:

NM_000393.5(COL5A2):c.2627G>A (p.Gly876Glu)

Gene: COL5A2 (collagen type V alpha 2 chain; minus strand). Cytogenetic location: 2q32.2.
Variant type: single nucleotide variant.
Coding change: c.2627G>A on transcript NM_000393.5 (MANE Select); coding-DNA position 2627, G replaced by A.
Protein change: p.Gly876Glu; replaces glycine 876 with glutamic acid.
Molecular consequence: missense variant.
Genome position (GRCh38, 1-based): chr2:189,052,945, C>T on the plus strand (G>A on the coding strand, the complement: COL5A2 is on the minus strand). VCF-style: chr2-189052945-C-T. GRCh37 (hg19) VCF-style: chr2-189917671-C-T.
Other names: short protein forms G876E.
Identifiers: ClinVar variation 265645 (VCV000265645.11), dbSNP rs886039694, ClinGen allele CA10588328.

ClinVar aggregate classification (germline): Conflicting classifications of pathogenicity. Review status: criteria provided, conflicting classifications (1 of 4 stars). 2 submissions from 2 submitters: Pathogenic (1); Uncertain significance (1). Last evaluated 2018-01-24.

Conditions:
Ehlers-Danlos syndrome, classic type, 1 (EDSCL1). Also called: Ehlers-Danlos Syndrome, Classic Type, COL5A1-Related; EHLERS-DANLOS SYNDROME, GRAVIS TYPE; EHLERS-DANLOS SYNDROME, SEVERE CLASSIC TYPE; Ehlers-Danlos syndrome, type 1; EDS I. Identifiers: MedGen C0268335, MONDO:0019567, OMIM 130000.

Submissions (2):

Labcorp Genetics (formerly Invitae), Labcorp
Classification: Uncertain significance for Ehlers-Danlos syndrome, classic type, 1. Last evaluated: 2018-01-24. Review status: criteria provided, single submitter. Criteria: Invitae Variant Classification Sherloc (09022015). Collection method: clinical testing. Allele origin: germline.
Comment: This variant has not been reported in the literature in individuals with COL5A2-related disease. ClinVar contains an entry for this variant (Variation ID: 265645). Glycine residues within the Gly-Xaa-Yaa repeats of the triple helix domain are required for the structure and stability of fibrillar collagens (PMID: 7695699, 8218237, 19344236), and missense variants at these glycine residues in COL5A2 are more frequently observed in individuals with disease than in the general population (PMID: 22696272, 23587214). However, the clinical significance of this observation remains uncertain since only a limited number of affected individuals have been described to date. In summary, this variant is a novel missense change affecting a residue that is critical for protein structure, stability and function. However, the available evidence is currently insufficient to determine its role in disease. Therefore, it has been classified as a Variant of Uncertain Significance. Algorithms developed to predict the effect of missense changes on protein structure and function (SIFT, PolyPhen-2, Align-GVGD) all suggest that this variant is likely to be disruptive, but these predictions have not been confirmed by published functional studies and their clinical significance is uncertain. This variant is not present in population databases (ExAC no frequency). This sequence change replaces glycine with glutamic acid at codon 876 of the COL5A2 protein (p.Gly876Glu). The glycine residue is highly conserved and there is a moderate physicochemical difference between glycine and glutamic acid.

GeneDx
Classification: Pathogenic. Last evaluated: 2016-08-30. Review status: criteria provided, single submitter. Criteria: GeneDx Variant Classification (06012015). Collection method: clinical testing. Allele origin: germline. Affected: yes.
Comment: The pathogenic G876E variant in the COL5A2 gene has not been reported previously as a pathogenic variant, nor as a benign variant, to our knowledge. The G876E variant was not observed in approximately 6,500 individuals of European and African American ancestry in the NHLBI Exome Sequencing Project, indicating it is not a common benign variant in these populations. The G876E variant is a non-conservative amino acid substitution, which is likely to impact secondary protein structure as these residues differ in polarity, charge, size and/or other properties. This substitution occurs at a position that is conserved across species. The G876E variant affects a Glycine residue in a Gly-X-Y motif in the triple helical region of the COL5A2 gene, where the majority of pathogenic missense variants occur (Stenson et al., 2014; Symoens et al., 2012). In silico analysis predicts this variant is probably damaging to the protein structure/function. We interpret G876E as a pathogenic variant.

Literature cited by the submitters: PubMed 7695699 (cited by Labcorp Genetics (formerly Invitae), Labcorp); PubMed 8218237 (cited by Labcorp Genetics (formerly Invitae), Labcorp); PubMed 19344236 (cited by Labcorp Genetics (formerly Invitae), Labcorp); PubMed 22696272 (cited by Labcorp Genetics (formerly Invitae), Labcorp); PubMed 23587214 (cited by Labcorp Genetics (formerly Invitae), Labcorp).